The following is an entry in ClinVar:

NM_003072.5(SMARCA4):c.2627A>C (p.Lys876Thr)

Gene: SMARCA4 (SWI/SNF related BAF chromatin remodeling complex subunit ATPase 4; plus strand). Cytogenetic location: 19p13.2.
Variant type: single nucleotide variant.
Coding change: c.2627A>C on transcript NM_003072.5 (MANE Select); coding-DNA position 2627, A replaced by C.
Protein change: p.Lys876Thr; replaces lysine 876 with threonine.
Molecular consequence: missense variant. On other transcripts: non-coding transcript variant (1).
Genome position (GRCh38, 1-based): chr19:11,021,735, A>C. VCF-style: chr19-11021735-A-C. GRCh37 (hg19) VCF-style: chr19-11132411-A-C.
Other names: c.2627A>C, p.Lys876Thr (NM_001128844.3, NM_001128845.2, NM_001128846.2 and 6 more transcripts); short protein forms K876T.
Identifiers: ClinVar variation 2567134 (VCV002567134.2), dbSNP rs1600277756, ClinGen allele CA404055552.

ClinVar aggregate classification (germline): Uncertain significance (1 of 4 stars; one submission).

Conditions:
Hereditary cancer-predisposing syndrome. Also called: Hereditary neoplastic syndrome; Hereditary Cancer Syndrome; Neoplastic Syndromes, Hereditary; Tumor predisposition. Identifiers: Orphanet 140162, MedGen C0027672, MeSH D009386, MONDO:0015356.

Submission:

Ambry Genetics
Classification: Uncertain significance for Hereditary cancer-predisposing syndrome. Last evaluated: 2023-04-13. Review status: criteria provided, single submitter. Criteria: Ambry Variant Classification Scheme 2023. Collection method: clinical testing. Allele origin: germline.
Comment: The p.K876T variant (also known as c.2627A>C), located in coding exon 18 of the SMARCA4 gene, results from an A to C substitution at nucleotide position 2627. The lysine at codon 876 is replaced by threonine, an amino acid with similar properties. This amino acid position is highly conserved in available vertebrate species. In addition, this alteration is predicted to be deleterious by in silico analysis. Missense and in-frame variants in SMARCA4 are known to cause neurodevelopmental disorders; however, such associations with rhabdoid tumor predisposition syndrome including small cell carcinoma of the ovary-hypercalcemic type (SCCOHT) are exceedingly rare (Kosho T et al. Am J Med Genet C Semin Med Genet. 2014 Sep;166C(3):262-75; Jelinic P et al. Nat Genet. 2014 May;46(5):424-6). Since supporting evidence is limited at this time, the clinical significance of this alteration remains unclear.